The following is an entry in ClinVar:

ClinVar aggregate classification (germline): Benign/Likely benign. Review status: criteria provided, multiple submitters, no conflicts (2 of 4 stars). 3 submissions from 3 submitters: Benign (2); Likely benign (1). Last evaluated 2026-01-27.

Conditions:
Spermatogenic failure 18. Identifiers: MedGen C4539783, MONDO:0054615, OMIM 617576.
Ciliary dyskinesia, primary, 37 (CILD37). Also called: CILIARY DYSKINESIA, PRIMARY, 37, WITH OR WITHOUT SITUS INVERSUS. Identifiers: MedGen C4539798, MONDO:0033204, OMIM 617577.

Allele frequency attached by ClinVar (database versions not stated): gnomAD 0.00061 and 0.00105; TOPMed 0.00080; ESP Exome Variant Server 0.00096; gnomAD exomes 0.00231; 1000 Genomes Project 0.00260; 1000 Genomes Project 30x 0.00265; ExAC 0.00433.
gnomAD v4.1: 2,398 of 1,600,494 alleles (0.15%); highest among the groups gnomAD compares: South Asian, 1.4%; 22 homozygotes.

Submissions (3):

Labcorp Genetics (formerly Invitae), Labcorp
Classification: Benign for Ciliary dyskinesia, primary, 37; Spermatogenic failure 18. Last evaluated: 2026-01-27. Review status: criteria provided, single submitter. Criteria: Invitae Variant Classification Sherloc (09022015). Collection method: clinical testing. Allele origin: germline.

CeGaT Center for Human Genetics Tuebingen
Classification: Benign. Last evaluated: 2026-01-01. Review status: criteria provided, single submitter. Criteria: CeGaT Center For Human Genetics Tuebingen Variant Classification Criteria Version 2. Collection method: clinical testing. Allele origin: germline. Affected: yes. Observed: 1 variant allele.
Comment: DNAH1: BP4, BS1, BS2

Mayo Clinic Laboratories, Mayo Clinic
Classification: Likely benign. Last evaluated: 2025-04-22. Review status: criteria provided, single submitter. Criteria: ACMG Guidelines, 2015. Collection method: clinical testing. Allele origin: germline. Observed: 3 variant alleles.
Comment: BS1, BP4, BP7

NM_015512.5(DNAH1):c.1986C>T (p.Asp662=)

Gene: DNAH1 (dynein axonemal heavy chain 1; plus strand). Cytogenetic location: 3p21.1.
Variant type: single nucleotide variant.
Coding change: c.1986C>T on transcript NM_015512.5 (MANE Select); coding-DNA position 1986, C replaced by T.
Protein change: p.Asp662=; no amino-acid change (aspartic acid 662 retained).
Molecular consequence: synonymous variant.
Genome position (GRCh38, 1-based): chr3:52,347,854, C>T. VCF-style: chr3-52347854-C-T. GRCh37 (hg19) VCF-style: chr3-52381870-C-T.
Other names: p.Asp662=.
Identifiers: ClinVar variation 478422 (VCV000478422.15), dbSNP rs376991251, ClinGen allele CA2433122.